The following is an entry in ClinVar:

NM_006885.4(ZFHX3):c.3611C>T (p.Ser1204Phe)

Genes: ZFHX3 (zinc finger homeobox 3; minus strand), ZFHX3-AS1 (ZFHX3 antisense RNA 1; plus strand). Cytogenetic location: 16q22.3.
Variant type: single nucleotide variant.
Coding change: c.3611C>T on transcript NM_006885.4 (MANE Select); coding-DNA position 3611, C replaced by T.
Protein change: p.Ser1204Phe; replaces serine 1204 with phenylalanine.
Molecular consequence: missense variant.
Genome position (GRCh38, 1-based): chr16:72,811,957, G>A on the plus strand (C>T on the coding strand, the complement: ZFHX3 is on the minus strand). VCF-style: chr16-72811957-G-A. GRCh37 (hg19) VCF-style: chr16-72845856-G-A.
Other names: c.869C>T, p.Ser290Phe (NM_001164766.2); c.3611C>T, p.Ser1204Phe (NM_001386735.1); short protein forms S1204F, S290F.
Identifiers: ClinVar variation 3473171 (VCV003473171.2).

ClinVar aggregate classification (germline): Uncertain significance. Review status: criteria provided, multiple submitters, no conflicts (2 of 4 stars). 2 submissions from 2 submitters: Uncertain significance (2). Last evaluated 2025-05-05.

gnomAD v4.1: 2 of 1,614,154 alleles (0.00012%); highest among the groups gnomAD compares: Non-Finnish European, 0.00017%; no homozygotes.

Submissions (2):

GeneDx
Classification: Uncertain significance. Last evaluated: 2025-05-05. Review status: criteria provided, single submitter. Criteria: GeneDx Variant Classification Process June 2021. Collection method: clinical testing. Allele origin: germline. Affected: yes.
Comment: Not observed at significant frequency in large population cohorts (gnomAD); In silico analysis supports that this missense variant has a deleterious effect on protein structure/function; Has not been previously published as pathogenic or benign to our knowledge

Ambry Genetics
Classification: Uncertain significance. Last evaluated: 2024-08-27. Review status: criteria provided, single submitter. Criteria: Ambry Variant Classification Scheme 2023. Collection method: clinical testing. Allele origin: germline.